The following is an entry in ClinVar:

NM_024757.5(EHMT1):c.3606C>G (p.His1202Gln)

Gene: EHMT1 (euchromatic histone lysine methyltransferase 1; plus strand). Cytogenetic location: 9q34.3.
Variant type: single nucleotide variant.
Coding change: c.3606C>G on transcript NM_024757.5 (MANE Select); coding-DNA position 3606, C replaced by G.
Protein change: p.His1202Gln; replaces histidine 1202 with glutamine.
Molecular consequence: missense variant.
Genome position (GRCh38, 1-based): chr9:137,834,414, C>G. VCF-style: chr9-137834414-C-G. GRCh37 (hg19) VCF-style: chr9-140728866-C-G.
Other names: c.3585C>G, p.His1195Gln (NM_001354263.2); short protein forms H1195Q, H1202Q.
Identifiers: ClinVar variation 1023820 (VCV001023820.9), dbSNP rs771429616, ClinGen allele CA5375396.

ClinVar aggregate classification (germline): Uncertain significance (1 of 4 stars; one submission).

Conditions:
Kleefstra syndrome 1 (KLEFS1). Identifiers: Orphanet 261494, MedGen C0795833, MONDO:0027407, OMIM 610253.

Allele frequency attached by ClinVar (database versions not stated): gnomAD exomes below 0.00001; ExAC 0.00001.

Submission:

Labcorp Genetics (formerly Invitae), Labcorp
Classification: Uncertain significance for Kleefstra syndrome 1. Last evaluated: 2022-03-19. Review status: criteria provided, single submitter. Criteria: Invitae Variant Classification Sherloc (09022015). Collection method: clinical testing. Allele origin: germline.
Comment: This variant is present in population databases (rs771429616, gnomAD 0.0009%). This sequence change replaces histidine, which is basic and polar, with glutamine, which is neutral and polar, at codon 1202 of the EHMT1 protein (p.His1202Gln). This variant has not been reported in the literature in individuals affected with EHMT1-related conditions. In summary, the available evidence is currently insufficient to determine the role of this variant in disease. Therefore, it has been classified as a Variant of Uncertain Significance. Algorithms developed to predict the effect of sequence changes on RNA splicing suggest that this variant may create or strengthen a splice site. Algorithms developed to predict the effect of missense changes on protein structure and function are either unavailable or do not agree on the potential impact of this missense change (SIFT: "Deleterious"; PolyPhen-2: "Possibly Damaging"; Align-GVGD: "Class C0"). ClinVar contains an entry for this variant (Variation ID: 1023820).